The following is an entry in ClinVar:

ClinVar aggregate classification (germline): Uncertain significance (1 of 4 stars; one submission).

Submission:

Ambry Genetics
Classification: Uncertain significance. Last evaluated: 2025-05-27. Review status: criteria provided, single submitter. Criteria: Ambry Variant Classification Scheme 2023. Collection method: clinical testing. Allele origin: germline.
Comment: The p.K552N variant (also known as c.1656G>C), located in coding exon 1 of the MLH3 gene, results from a G to C substitution at nucleotide position 1656. The lysine at codon 552 is replaced by asparagine, an amino acid with similar properties. This amino acid position is conserved. In addition, this alteration is predicted to be tolerated by in silico analysis. Based on the available evidence, the clinical significance of this variant remains unclear.

NM_001040108.2(MLH3):c.1656G>C (p.Lys552Asn)

Gene: MLH3 (mutL homolog 3; minus strand). Cytogenetic location: 14q24.3.
Variant type: single nucleotide variant.
Coding change: c.1656G>C on transcript NM_001040108.2 (MANE Select); coding-DNA position 1656, G replaced by C.
Protein change: p.Lys552Asn; replaces lysine 552 with asparagine.
Molecular consequence: missense variant.
Genome position (GRCh38, 1-based): chr14:75,048,000, C>G on the plus strand (G>C on the coding strand, the complement: MLH3 is on the minus strand). VCF-style: chr14-75048000-C-G. GRCh37 (hg19) VCF-style: chr14-75514703-C-G.
Other names: c.1656G>C, p.Lys552Asn (NM_014381.3); short protein forms K552N.
Identifiers: ClinVar variation 4055509 (VCV004055509.1).